The following is an entry in ClinVar:

ClinVar aggregate classification (germline): Uncertain significance (1 of 4 stars; one submission).

Allele frequency attached by ClinVar (database versions not stated): gnomAD exomes 0.00001.
gnomAD v4.1: 7 of 1,610,148 alleles (0.00043%); highest among the groups gnomAD compares: Non-Finnish European, 0.00059%; no homozygotes.

Submission:

Labcorp Genetics (formerly Invitae), Labcorp
Classification: Uncertain significance. Last evaluated: 2022-07-19. Review status: criteria provided, single submitter. Criteria: Invitae Variant Classification Sherloc (09022015). Collection method: clinical testing. Allele origin: germline.
Comment: In summary, the available evidence is currently insufficient to determine the role of this variant in disease. Therefore, it has been classified as a Variant of Uncertain Significance. Algorithms developed to predict the effect of missense changes on protein structure and function are either unavailable or do not agree on the potential impact of this missense change (SIFT: "Not Available"; PolyPhen-2: "Probably Damaging"; Align-GVGD: "Not Available"). This variant has not been reported in the literature in individuals affected with PIK3C2A-related conditions. This variant is not present in population databases (gnomAD no frequency). This sequence change replaces glycine, which is neutral and non-polar, with arginine, which is basic and polar, at codon 1204 of the PIK3C2A protein (p.Gly1204Arg).

NM_002645.4(PIK3C2A):c.3610G>A (p.Gly1204Arg)

Gene: PIK3C2A (phosphatidylinositol-4-phosphate 3-kinase catalytic subunit type 2 alpha; minus strand). Cytogenetic location: 11p15.1.
Variant type: single nucleotide variant.
Coding change: c.3610G>A on transcript NM_002645.4 (MANE Select); coding-DNA position 3610, G replaced by A.
Protein change: p.Gly1204Arg; replaces glycine 1204 with arginine.
Molecular consequence: missense variant.
Genome position (GRCh38, 1-based): chr11:17,105,240, C>T on the plus strand (G>A on the coding strand, the complement: PIK3C2A is on the minus strand). VCF-style: chr11-17105240-C-T. GRCh37 (hg19) VCF-style: chr11-17126787-C-T.
Other names: c.3610G>A, p.Gly1204Arg (NM_001321378.2); c.2470G>A, p.Gly824Arg (NM_001321380.2); c.3442G>A, p.Gly1148Arg (NM_001386870.1); short protein forms G1148R, G1204R, G824R.
Identifiers: ClinVar variation 2414845 (VCV002414845.4), dbSNP rs762494848, ClinGen allele CA379761533.